The following is an entry in ClinVar:

NM_006267.5(RANBP2):c.1876A>G (p.Ile626Val)

Gene: RANBP2 (RAN binding protein 2; plus strand). Cytogenetic location: 2q13.
Variant type: single nucleotide variant.
Coding change: c.1876A>G on transcript NM_006267.5 (MANE Select); coding-DNA position 1876, A replaced by G.
Protein change: p.Ile626Val; replaces isoleucine 626 with valine.
Molecular consequence: missense variant.
Genome position (GRCh38, 1-based): chr2:108,753,118, A>G. VCF-style: chr2-108753118-A-G. GRCh37 (hg19) VCF-style: chr2-109369574-A-G.
Other names: short protein forms I626V.
Identifiers: ClinVar variation 1509997 (VCV001509997.9), dbSNP rs537490309, ClinGen allele CA1822460.
Genomic context (GRCh38, chr2:108,753,118, plus strand): 5'-TGGAAGAAAGTTTTGCCATTGTTGAAGATAATAAAAAAGAAGAACAGTATTCCTGAACCT[A>G]TTGATCCTCTGTTTAAACATTTTCATAGTGTAGACATTCAGGTAACAGAGTTCCTTTATG-3'
Protein context (NP_006258.3, residues 616-636): IKKKNSIPEP[Ile626Val]DPLFKHFHSV

ClinVar aggregate classification (germline): Uncertain significance (1 of 4 stars; one submission).

Conditions:
Familial acute necrotizing encephalopathy (IIAE3). Also called: ENCEPHALOPATHY, ACUTE, INFECTION-INDUCED, SUSCEPTIBILITY TO, 3; Susceptibility to Acute Necrotizing Encephalopathy 1. Identifiers: Orphanet 88619, MedGen C2675556, MONDO:0011953, OMIM 608033.

Allele frequency attached by ClinVar (database versions not stated): gnomAD 0.00001; gnomAD exomes 0.00001; TOPMed 0.00001; ExAC 0.00002; 1000 Genomes Project 30x 0.00016; 1000 Genomes Project 0.00020.
gnomAD v4.1: 12 of 1,609,716 alleles (0.00075%); highest among the groups gnomAD compares: East Asian, 0.0067%; no homozygotes.

Submission:

Labcorp Genetics (formerly Invitae), Labcorp
Classification: Uncertain significance for Familial acute necrotizing encephalopathy. Last evaluated: 2024-02-27. Review status: criteria provided, single submitter. Criteria: Invitae Variant Classification Sherloc (09022015). Collection method: clinical testing. Allele origin: germline.
Comment: This sequence change replaces isoleucine, which is neutral and non-polar, with valine, which is neutral and non-polar, at codon 626 of the RANBP2 protein (p.Ile626Val). This variant is present in population databases (rs537490309, gnomAD 0.01%). This variant has not been reported in the literature in individuals affected with RANBP2-related conditions. ClinVar contains an entry for this variant (Variation ID: 1509997). Algorithms developed to predict the effect of missense changes on protein structure and function output the following: SIFT: "Not Available"; PolyPhen-2: "Benign"; Align-GVGD: "Not Available". The valine amino acid residue is found in multiple mammalian species, which suggests that this missense change does not adversely affect protein function. In summary, the available evidence is currently insufficient to determine the role of this variant in disease. Therefore, it has been classified as a Variant of Uncertain Significance.